The following is an entry in ClinVar:

NM_014425.5(INVS):c.1822del (p.Gln608fs)

Gene: INVS (inversin; plus strand). Cytogenetic location: 9q31.1.
Variant type: Deletion.
Coding change: c.1822del on transcript NM_014425.5 (MANE Select); coding-DNA position 1822, one base deleted (C; older notation c.1822delC).
Protein change: p.Gln608fs; shifts the reading frame from glutamine 608.
Molecular consequence: frameshift variant. On other transcripts: non-coding transcript variant (1).
Genome position (GRCh38, 1-based): chr9:100,284,357, C deleted. VCF-style (leftmost placement, unchanged base first): chr9-100284356-AC-A. GRCh37 (hg19) VCF-style: chr9-103046638-AC-A.
Other names: c.844del, p.Gln282fs (NM_001318382.2); c.1534del, p.Gln512fs (NM_001318381.2); short protein forms Q512fs, Q608fs, Q282fs.
Identifiers: ClinVar variation 2760428 (VCV002760428.3), dbSNP rs2490087462, ClinGen allele CA2697557918.

ClinVar aggregate classification (germline): Pathogenic (1 of 4 stars; one submission).

Conditions:
Nephronophthisis. Also called: Juvenile Nephronophthisis. Identifiers: Orphanet 655, MedGen C0687120, MONDO:0019005, HP:0000090.

Submission:

Labcorp Genetics (formerly Invitae), Labcorp
Classification: Pathogenic for Nephronophthisis. Last evaluated: 2023-09-12. Review status: criteria provided, single submitter. Criteria: Invitae Variant Classification Sherloc (09022015). Collection method: clinical testing. Allele origin: germline.
Comment: This sequence change creates a premature translational stop signal (p.Gln608Serfs*59) in the INVS gene. It is expected to result in an absent or disrupted protein product. Loss-of-function variants in INVS are known to be pathogenic (PMID: 12872123). This variant is not present in population databases (gnomAD no frequency). This variant has not been reported in the literature in individuals affected with INVS-related conditions. For these reasons, this variant has been classified as Pathogenic.

Literature cited by the submitters: PubMed 12872123.